The following is an entry in ClinVar:

NM_005334.3(HCFC1):c.3231C>T (p.Asn1077=)

Gene: HCFC1 (host cell factor C1; minus strand). Cytogenetic location: Xq28.
Variant type: single nucleotide variant.
Coding change: c.3231C>T on transcript NM_005334.3 (MANE Select); coding-DNA position 3231, C replaced by T.
Protein change: p.Asn1077=; no amino-acid change (asparagine 1077 retained).
Molecular consequence: synonymous variant.
Genome position (GRCh38, 1-based): chrX:153,955,168, G>A on the plus strand (C>T on the coding strand, the complement: HCFC1 is on the minus strand). VCF-style: chrX-153955168-G-A. GRCh37 (hg19) VCF-style: chrX-153220619-G-A.
Identifiers: ClinVar variation 682379 (VCV000682379.1), dbSNP rs1206319692, ClinGen allele CA519702454.

ClinVar aggregate classification (germline): Likely benign (1 of 4 stars; one submission).

Allele frequency attached by ClinVar (database versions not stated): gnomAD 0.00002; TOPMed 0.00002 and 0.00001.
gnomAD v4.1: 2 of 1,210,242 alleles (0.00017%); highest among the groups gnomAD compares: African/African-American, 0.0035%; no homozygotes.

Submission:

GeneDx
Classification: Likely benign. Last evaluated: 2018-05-11. Review status: criteria provided, single submitter. Criteria: GeneDx Variant Classification (06012015). Collection method: clinical testing. Allele origin: germline. Affected: yes.
Comment: This variant is considered likely benign or benign based on one or more of the following criteria: it is a conservative change, it occurs at a poorly conserved position in the protein, it is predicted to be benign by multiple in silico algorithms, and/or has population frequency not consistent with disease.